The following is an entry in ClinVar:

ClinVar aggregate classification (germline): Pathogenic (1 of 4 stars; one submission).

Conditions:
Chromosome 2q32-q33 deletion syndrome (GLASS). Also called: Glass syndrome; 2q33.1 deletion syndrome. Identifiers: Orphanet 251019, MedGen C2676739, MONDO:0012864, OMIM 612313.

Submission:

Labcorp Genetics (formerly Invitae), Labcorp
Classification: Pathogenic for Chromosome 2q32-q33 deletion syndrome. Last evaluated: 2021-05-20. Review status: criteria provided, single submitter. Criteria: Invitae Variant Classification Sherloc (09022015). Collection method: clinical testing. Allele origin: germline.
Comment: This variant is not present in population databases (ExAC no frequency). For these reasons, this variant has been classified as Pathogenic. Algorithms developed to predict the effect of sequence changes on RNA splicing suggest that this variant may disrupt the consensus splice site, but this prediction has not been confirmed by published transcriptional studies. Disruption of this splice site has been observed in individual(s) with Glass syndrome (PMID: 25885067). In at least one individual the variant was observed to be de novo. This sequence change affects a donor splice site in intron 4 of the SATB2 gene. It is expected to disrupt RNA splicing. Variants that disrupt the donor or acceptor splice site typically lead to a loss of protein function (PMID: 16199547), and loss-of-function variants in SATB2 are known to be pathogenic (PMID: 25885067).

Literature cited by the submitters: PubMed 25885067; PubMed 16199547.

NM_001172509.2(SATB2):c.346+2T>A

Gene: SATB2 (SATB homeobox 2; minus strand). Cytogenetic location: 2q33.1.
Variant type: single nucleotide variant.
Coding change: c.346+2T>A on transcript NM_001172509.2 (MANE Select); the canonical splice donor site of the intron after coding-DNA position 346, T replaced by A.
Molecular consequence: splice donor variant.
Genome position (GRCh38, 1-based): chr2:199,433,336, A>T on the plus strand (T>A on the coding strand, the complement: SATB2 is on the minus strand). VCF-style: chr2-199433336-A-T. GRCh37 (hg19) VCF-style: chr2-200298059-A-T.
Other names: c.346+2T>A (NM_001172517.1, NM_015265.4).
Identifiers: ClinVar variation 1453296 (VCV001453296.6), dbSNP rs1559052017, ClinGen allele CA350386604.
Genomic context (GRCh38, chr2:199,433,336, plus strand): 5'-ATATTCTTCCTCAAATTATGACACACAAGAGACTTGGGAGGAGAGGGGAGAGGCATTAAT[A>T]CCTTGGGCCTGGGCCGCAGAGCTGTGAGAATACCCCAGGGCCAGGAGCGCAGTCTCCACC-3'